The following is an entry in ClinVar:

NM_032271.3(TRAF7):c.687G>C (p.Arg229Ser)

Gene: TRAF7 (TNF receptor associated factor 7; plus strand). Cytogenetic location: 16p13.3.
Variant type: single nucleotide variant.
Coding change: c.687G>C on transcript NM_032271.3 (MANE Select); coding-DNA position 687, G replaced by C.
Protein change: p.Arg229Ser; replaces arginine 229 with serine.
Molecular consequence: missense variant.
Genome position (GRCh38, 1-based): chr16:2,172,492, G>C. VCF-style: chr16-2172492-G-C. GRCh37 (hg19) VCF-style: chr16-2222493-G-C.
Other names: short protein forms R229S.
Identifiers: ClinVar variation 2582097 (VCV002582097.1), dbSNP rs760492852, ClinGen allele CA394321985.

ClinVar aggregate classification (germline): Uncertain significance (1 of 4 stars; one submission).

Submission:

GeneDx
Classification: Uncertain significance. Last evaluated: 2023-03-30. Review status: criteria provided, single submitter. Criteria: GeneDx Variant Classification Process June 2021. Collection method: clinical testing. Allele origin: germline. Affected: yes.
Comment: Not observed at significant frequency in large population cohorts (gnomAD); In silico analysis supports that this missense variant does not alter protein structure/function; Has not been previously published as pathogenic or benign to our knowledge